The following is an entry in ClinVar:

ClinVar aggregate classification (germline): Uncertain significance (1 of 4 stars; one submission).

gnomAD v4.1: 2 of 1,600,314 alleles (0.00012%); highest among the groups gnomAD compares: Admixed American, 0.0034%; no homozygotes.

Submission:

Labcorp Genetics (formerly Invitae), Labcorp
Classification: Uncertain significance. Last evaluated: 2022-06-01. Review status: criteria provided, single submitter. Criteria: Invitae Variant Classification Sherloc (09022015). Collection method: clinical testing. Allele origin: germline.
Comment: In summary, the available evidence is currently insufficient to determine the role of this variant in disease. Therefore, it has been classified as a Variant of Uncertain Significance. Algorithms developed to predict the effect of missense changes on protein structure and function are either unavailable or do not agree on the potential impact of this missense change (SIFT: "Deleterious"; PolyPhen-2: "Benign"; Align-GVGD: "Class C65"). This variant has not been reported in the literature in individuals affected with ADAMTSL4-related conditions. This variant is not present in population databases (gnomAD no frequency). This sequence change replaces proline, which is neutral and non-polar, with leucine, which is neutral and non-polar, at codon 725 of the ADAMTSL4 protein (p.Pro725Leu).

NM_019032.6(ADAMTSL4):c.2174C>T (p.Pro725Leu)

Genes: ADAMTSL4 (ADAMTS like 4; plus strand), ADAMTSL4-AS2 (ADAMTSL4 antisense RNA 2; minus strand). Cytogenetic location: 1q21.2.
Variant type: single nucleotide variant.
Coding change: c.2174C>T on transcript NM_019032.6 (MANE Select); coding-DNA position 2174, C replaced by T.
Protein change: p.Pro725Leu; replaces proline 725 with leucine.
Molecular consequence: missense variant.
Genome position (GRCh38, 1-based): chr1:150,557,620, C>T. VCF-style: chr1-150557620-C-T. GRCh37 (hg19) VCF-style: chr1-150530096-C-T.
Other names: c.2057C>T, p.Pro686Leu (NM_001288607.2); c.2243C>T, p.Pro748Leu (NM_001288608.2); c.2174C>T, p.Pro725Leu (NM_001378596.1, NM_025008.5); short protein forms P686L, P725L, P748L.
Identifiers: ClinVar variation 1917218 (VCV001917218.3), dbSNP rs2526740888, ClinGen allele CA342314422.